The following is an entry in ClinVar:

NM_001723.7(DST):c.6464C>T (p.Ser2155Leu)

Gene: DST (dystonin; minus strand). Cytogenetic location: 6p12.1.
Variant type: single nucleotide variant.
Coding change: c.6464C>T on transcript NM_001723.7 (MANE Plus Clinical); coding-DNA position 6464, C replaced by T.
Protein change: p.Ser2155Leu; replaces serine 2155 with leucine.
Molecular consequence: missense variant. On other transcripts: intron variant (10).
Genome position (GRCh38, 1-based): chr6:56,617,003, G>A on the plus strand (C>T on the coding strand, the complement: DST is on the minus strand). VCF-style: chr6-56617003-G-A. GRCh37 (hg19) VCF-style: chr6-56481801-G-A.
Other names: c.4831-2519C>T (NM_001144769.5); c.4930-2519C>T (NM_001374722.1, NM_001374736.1); c.4957-2519C>T (NM_001374734.1); c.4417-2519C>T (NM_001144770.2); c.4297-2519C>T (NM_001374730.1, NM_001386100.1, NM_183380.4 and 1 more transcripts); c.3319-2519C>T (NM_015548.5); short protein forms S2155L.
Identifiers: ClinVar variation 660521 (VCV000660521.8), dbSNP rs1586753002, ClinGen allele CA364565088.
Genomic context (GRCh38, chr6:56,617,003, plus strand): 5'-GCCTGAGCTTCTAAAAATGCCAAAGCCACCATTTTGTCTATTATGATTCTCTCGGCCGCT[G>A]AGGCAAATGAAATCTTTTCTTTTGTAGATTCTAGGTAAAGCCCTGCAATTGAGGTGGCTT-3'
Protein context (NP_001714.1, residues 2145-2165): ESTKEKISFA[Ser2155Leu]AAERIIIDKM

ClinVar aggregate classification (germline): Uncertain significance (1 of 4 stars; one submission).

Conditions:
Epidermolysis bullosa simplex 3, localized or generalized intermediate, with BP230 deficiency (EBS3). Also called: Epidermolysis bullosa simplex due to BP230 deficiency; Epidermolysis bullosa simplex, autosomal recessive 2. Identifiers: Orphanet 412181, MedGen C3809470, MONDO:0014180, OMIM 615425.
Hereditary sensory and autonomic neuropathy type 6. Also called: HSAN VI; Neuropathy, hereditary sensory and autonomic, type VI. Identifiers: Orphanet 314381, MedGen C3539003, MONDO:0013839, OMIM 614653.

Allele frequency attached by ClinVar (database versions not stated): gnomAD exomes below 0.00001.
gnomAD v4.1: 2 of 1,610,182 alleles (0.00012%); highest among the groups gnomAD compares: Admixed American, 0.0017%; no homozygotes.

Submission:

Labcorp Genetics (formerly Invitae), Labcorp
Classification: Uncertain significance for Epidermolysis bullosa simplex 3, localized or generalized intermediate, with BP230 deficiency; Hereditary sensory and autonomic neuropathy type 6. Last evaluated: 2022-07-11. Review status: criteria provided, single submitter. Criteria: Invitae Variant Classification Sherloc (09022015). Collection method: clinical testing. Allele origin: germline.
Comment: This sequence change replaces serine, which is neutral and polar, with leucine, which is neutral and non-polar, at codon 2155 of the DST protein (p.Ser2155Leu). This variant is not present in population databases (gnomAD no frequency). This variant has not been reported in the literature in individuals affected with DST-related conditions. ClinVar contains an entry for this variant (Variation ID: 660521). Algorithms developed to predict the effect of missense changes on protein structure and function output the following: SIFT: "Deleterious"; PolyPhen-2: "Benign"; Align-GVGD: "Class C0". The leucine amino acid residue is found in multiple mammalian species, which suggests that this missense change does not adversely affect protein function. In summary, the available evidence is currently insufficient to determine the role of this variant in disease. Therefore, it has been classified as a Variant of Uncertain Significance.